The following is an entry in ClinVar:

NM_000038.6(APC):c.933+937A>C

Gene: APC (APC regulator of WNT signaling pathway; plus strand). Cytogenetic location: 5q22.2.
Variant type: single nucleotide variant.
Coding change: c.933+937A>C on transcript NM_000038.6 (MANE Select); 937 bases into the intron after coding-DNA position 933, A replaced by C.
Molecular consequence: intron variant.
Genome position (GRCh38, 1-based): chr5:112,816,530, A>C. VCF-style: chr5-112816530-A-C. GRCh37 (hg19) VCF-style: chr5-112152227-A-C.
Other names: c.933+937A>C (NM_001354895.2, NM_001127510.3, NM_001354896.2 and 1 more transcripts); c.963+937A>C (NM_001354897.2, NM_001354902.2); c.879+937A>C (NM_001127511.3); c.858+937A>C (NM_001354898.2, NM_001354904.2); c.84+937A>C (NM_001354906.2); c.849+937A>C (NM_001354899.2); c.756+937A>C (NM_001354900.2, NM_001354901.2, NM_001354905.2).
Identifiers: ClinVar variation 83102 (VCV000083102.2), dbSNP rs76238841, ClinGen allele CA015796.
Genomic context (GRCh38, chr5:112,816,530, plus strand): 5'-TAGGATTTGGGAATAATGTTTGAAAAGAAAATAGTTACTTTAAGCCGGATGTGGTGGCTC[A>C]CACCTGTAATCCCAGAAATTTGGGAGGCTGAGGTGGGTGGATCACTTGAGGCCAGGAGTT-3'

ClinVar aggregate classification (germline): other (0 of 4 stars; one submission).

Conditions:
Familial colorectal cancer. Identifiers: MedGen CN280943, MONDO:0023113. Disease mechanism: loss of function.

Submission:

Systems Biology Platform Zhejiang California International NanoSystems Institute
Classification: other for Familial colorectal cancer. Review status: no assertion criteria provided. Collection method: not provided. Allele origin: unknown.
ClinVar note: Converted during submission from cancer to other.